The following is an entry in ClinVar:

ClinVar aggregate classification (germline): Uncertain significance. Review status: criteria provided, multiple submitters, no conflicts (2 of 4 stars). 2 submissions from 2 submitters: Uncertain significance (2). Last evaluated 2024-10-31.

Conditions:
Hereditary cancer-predisposing syndrome. Also called: Hereditary Cancer Syndrome; Hereditary neoplastic syndrome; Neoplastic Syndromes, Hereditary; Tumor predisposition. Identifiers: Orphanet 140162, MedGen C0027672, MeSH D009386, MONDO:0015356.
Bloom syndrome (BLM). Also called: Bloom-Torre-Machacek syndrome. Identifiers: Orphanet 125, MedGen C0005859, MONDO:0008876, OMIM 210900.

Submissions (2):

Labcorp Genetics (formerly Invitae), Labcorp
Classification: Uncertain significance for Bloom syndrome. Last evaluated: 2024-10-31. Review status: criteria provided, single submitter. Criteria: Invitae Variant Classification Sherloc (09022015). Collection method: clinical testing. Allele origin: germline.
Comment: This sequence change replaces proline, which is neutral and non-polar, with alanine, which is neutral and non-polar, at codon 459 of the BLM protein (p.Pro459Ala). This variant is not present in population databases (gnomAD no frequency). This variant has not been reported in the literature in individuals affected with BLM-related conditions. ClinVar contains an entry for this variant (Variation ID: 1771135). Invitae Evidence Modeling of protein sequence and biophysical properties (such as structural, functional, and spatial information, amino acid conservation, physicochemical variation, residue mobility, and thermodynamic stability) indicates that this missense variant is not expected to disrupt BLM protein function with a negative predictive value of 80%. In summary, the available evidence is currently insufficient to determine the role of this variant in disease. Therefore, it has been classified as a Variant of Uncertain Significance.

Ambry Genetics
Classification: Uncertain significance for Hereditary cancer-predisposing syndrome. Last evaluated: 2021-06-10. Review status: criteria provided, single submitter. Criteria: Ambry Variant Classification Scheme 2023. Collection method: clinical testing. Allele origin: germline.
Comment: The p.P459A variant (also known as c.1375C>G), located in coding exon 6 of the BLM gene, results from a C to G substitution at nucleotide position 1375. The proline at codon 459 is replaced by alanine, an amino acid with highly similar properties. This amino acid position is conserved. In addition, this alteration is predicted to be tolerated by in silico analysis. Since supporting evidence is limited at this time, the clinical significance of this alteration remains unclear.

NM_000057.4(BLM):c.1375C>G (p.Pro459Ala)

Gene: BLM (BLM RecQ like helicase; plus strand). Cytogenetic location: 15q26.1.
Variant type: single nucleotide variant.
Coding change: c.1375C>G on transcript NM_000057.4 (MANE Select); coding-DNA position 1375, C replaced by G.
Protein change: p.Pro459Ala; replaces proline 459 with alanine.
Molecular consequence: missense variant.
Genome position (GRCh38, 1-based): chr15:90,760,748, C>G. VCF-style: chr15-90760748-C-G. GRCh37 (hg19) VCF-style: chr15-91303978-C-G.
Other names: c.1375C>G, p.Pro459Ala (NM_001287246.2, NM_001287247.2); c.250C>G, p.Pro84Ala (NM_001287248.2); short protein forms P84A, P459A.
Identifiers: ClinVar variation 1771135 (VCV001771135.4), dbSNP rs2505425157, ClinGen allele CA393842928.